The following is an entry in ClinVar:

NM_001042492.3(NF1):c.4843del (p.Thr1615fs)

Gene: NF1 (neurofibromin 1; plus strand). Cytogenetic location: 17q11.2.
Variant type: Deletion.
Coding change: c.4843del on transcript NM_001042492.3 (MANE Select); coding-DNA position 4843, one base deleted (A; older notation c.4843delA).
Protein change: p.Thr1615fs; shifts the reading frame from threonine 1615.
Molecular consequence: frameshift variant.
Genome position (GRCh38, 1-based): chr17:31,325,827, A deleted; the last of 4 consecutive A bases (chr17:31,325,824-31,325,827); deleting any one gives the same sequence. VCF-style (leftmost placement, unchanged base first): chr17-31325823-CA-C. GRCh37 (hg19) VCF-style: chr17-29652841-CA-C.
Other names: c.4780delA, p.Thr1594Leufs (NM_000267.4); short protein forms T1594fs, T1615fs.
Identifiers: ClinVar variation 1929508 (VCV001929508.5), dbSNP rs2508693927, ClinGen allele CA2580092911.

ClinVar aggregate classification (germline): Pathogenic (1 of 4 stars; one submission).

Conditions:
Neurofibromatosis, type 1 (NF1). Also called: Peripheral type neurofibromatosis; Neurofibromatosis, type I; NEUROFIBROMATOSIS, TYPE I, SOMATIC; VON RECKLINGHAUSEN DISEASE. Identifiers: Orphanet 636, MedGen C0027831, MONDO:0018975, OMIM 162200. Disease mechanism: loss of function.

Submission:

Labcorp Genetics (formerly Invitae), Labcorp
Classification: Pathogenic for Neurofibromatosis, type 1. Last evaluated: 2023-03-09. Review status: criteria provided, single submitter. Criteria: Invitae Variant Classification Sherloc (09022015). Collection method: clinical testing. Allele origin: germline.
Comment: For these reasons, this variant has been classified as Pathogenic. This premature translational stop signal has been observed in individual(s) with neurofibromatosis, type 1 (PMID: 26056819, 31370276). This sequence change creates a premature translational stop signal (p.Thr1594Leufs*9) in the NF1 gene. It is expected to result in an absent or disrupted protein product. Loss-of-function variants in NF1 are known to be pathogenic (PMID: 10712197, 23913538). This variant is not present in population databases (gnomAD no frequency). ClinVar contains an entry for this variant (Variation ID: 1929508).

Literature cited by the submitters: PubMed 26056819; PubMed 31370276; PubMed 10712197; PubMed 23913538.